The following is an entry in ClinVar:

ClinVar aggregate classification (germline): Uncertain significance (1 of 4 stars; one submission).

gnomAD v4.1: 5 of 1,614,166 alleles (0.00031%); highest among the groups gnomAD compares: South Asian, 0.0022%; no homozygotes.

Submission:

Labcorp Genetics (formerly Invitae), Labcorp
Classification: Uncertain significance. Last evaluated: 2025-03-28. Review status: criteria provided, single submitter. Criteria: Invitae Variant Classification Sherloc (09022015). Collection method: clinical testing. Allele origin: germline.
Comment: This sequence change replaces glutamic acid, which is acidic and polar, with lysine, which is basic and polar, at codon 1048 of the TNC protein (p.Glu1048Lys). This variant is present in population databases (rs748065016, gnomAD 0.0009%). This variant has not been reported in the literature in individuals affected with TNC-related conditions. Invitae Evidence Modeling of protein sequence and biophysical properties (such as structural, functional, and spatial information, amino acid conservation, physicochemical variation, residue mobility, and thermodynamic stability) indicates that this missense variant is not expected to disrupt TNC protein function with a negative predictive value of 80%. In summary, the available evidence is currently insufficient to determine the role of this variant in disease. Therefore, it has been classified as a Variant of Uncertain Significance.

NM_002160.4(TNC):c.3142G>A (p.Glu1048Lys)

Gene: TNC (tenascin C; minus strand). Cytogenetic location: 9q33.1.
Variant type: single nucleotide variant.
Coding change: c.3142G>A on transcript NM_002160.4 (MANE Select); coding-DNA position 3142, G replaced by A.
Protein change: p.Glu1048Lys; replaces glutamic acid 1048 with lysine.
Molecular consequence: missense variant.
Genome position (GRCh38, 1-based): chr9:115,073,675, C>T on the plus strand (G>A on the coding strand, the complement: TNC is on the minus strand). VCF-style: chr9-115073675-C-T. GRCh37 (hg19) VCF-style: chr9-117835954-C-T.
Other names: c.3142G>A, p.Glu1048Lys (NM_001410991.1, NM_001439065.1, NM_001439066.1 and 35 more transcripts); short protein forms E1048K.
Identifiers: ClinVar variation 4779972 (VCV004779972.1).